The following is an entry in ClinVar:

NM_006206.6(PDGFRA):c.3095A>G (p.Glu1032Gly)

Gene: PDGFRA (platelet derived growth factor receptor alpha; plus strand). Cytogenetic location: 4q12.
Variant type: single nucleotide variant.
Coding change: c.3095A>G on transcript NM_006206.6 (MANE Select); coding-DNA position 3095, A replaced by G.
Protein change: p.Glu1032Gly; replaces glutamic acid 1032 with glycine.
Molecular consequence: missense variant.
Genome position (GRCh38, 1-based): chr4:54,290,527, A>G. VCF-style: chr4-54290527-A-G. GRCh37 (hg19) VCF-style: chr4-55156694-A-G.
Other names: c.3170A>G, p.Glu1057Gly (NM_001347828.2); c.3095A>G, p.Glu1032Gly (NM_001347829.2); c.3134A>G, p.Glu1045Gly (NM_001347830.2); short protein forms E1032G, E1045G, E1057G.
Identifiers: ClinVar variation 3225302 (VCV003225302.1), dbSNP rs2475566839, ClinGen allele CA356896367.

ClinVar aggregate classification (germline): Uncertain significance (1 of 4 stars; one submission).

Conditions:
Hereditary cancer-predisposing syndrome. Also called: Neoplastic Syndromes, Hereditary; Tumor predisposition; Hereditary neoplastic syndrome; Hereditary Cancer Syndrome. Identifiers: Orphanet 140162, MedGen C0027672, MeSH D009386, MONDO:0015356.

Submission:

Ambry Genetics
Classification: Uncertain significance for Hereditary cancer-predisposing syndrome. Last evaluated: 2023-10-12. Review status: criteria provided, single submitter. Criteria: Ambry Variant Classification Scheme 2023. Collection method: clinical testing. Allele origin: germline.
Comment: The p.E1032G variant (also known as c.3095A>G), located in coding exon 21 of the PDGFRA gene, results from an A to G substitution at nucleotide position 3095. The glutamic acid at codon 1032 is replaced by glycine, an amino acid with similar properties. This amino acid position is conserved. In addition, the in silico prediction for this alteration is inconclusive. Since supporting evidence is limited at this time, the clinical significance of this alteration remains unclear.